The following is an entry in ClinVar:

ClinVar aggregate classification (germline): Uncertain significance (1 of 4 stars; one submission).

gnomAD v4.1: 1 of 1,613,360 alleles (0.000062%); no homozygotes.

Submission:

Labcorp Genetics (formerly Invitae), Labcorp
Classification: Uncertain significance. Last evaluated: 2025-03-03. Review status: criteria provided, single submitter. Criteria: Invitae Variant Classification Sherloc (09022015). Collection method: clinical testing. Allele origin: germline.
Comment: This sequence change replaces serine, which is neutral and polar, with threonine, which is neutral and polar, at codon 127 of the TGFB1 protein (p.Ser127Thr). This variant is not present in population databases (gnomAD no frequency). This variant has not been reported in the literature in individuals affected with TGFB1-related conditions. ClinVar contains an entry for this variant (Variation ID: 1895796). Invitae Evidence Modeling of protein sequence and biophysical properties (such as structural, functional, and spatial information, amino acid conservation, physicochemical variation, residue mobility, and thermodynamic stability) indicates that this missense variant is not expected to disrupt TGFB1 protein function with a negative predictive value of 80%. In summary, the available evidence is currently insufficient to determine the role of this variant in disease. Therefore, it has been classified as a Variant of Uncertain Significance.

NM_000660.7(TGFB1):c.380G>C (p.Ser127Thr)

Gene: TGFB1 (transforming growth factor beta 1; minus strand). Cytogenetic location: 19q13.2.
Variant type: single nucleotide variant.
Coding change: c.380G>C on transcript NM_000660.7 (MANE Select); coding-DNA position 380, G replaced by C.
Protein change: p.Ser127Thr; replaces serine 127 with threonine.
Molecular consequence: missense variant.
Genome position (GRCh38, 1-based): chr19:41,348,431, C>G on the plus strand (G>C on the coding strand, the complement: TGFB1 is on the minus strand). VCF-style: chr19-41348431-C-G. GRCh37 (hg19) VCF-style: chr19-41854336-C-G.
Other names: short protein forms S127T.
Identifiers: ClinVar variation 1895796 (VCV001895796.5), dbSNP rs2038142618, ClinGen allele CA406003783.
Genomic context (GRCh38, chr19:41,348,431, plus strand): 5'-GGTTCAGGTACCGCTTCTCGGAGCTCTGATGTGTTGAAGAACATATATATGCTGTGTGTA[C>G]TCTGCTTGAACTTGTCATAGATTTCTAGCAGGGAGAAATGAAGGGAGGCGATCAGGGGTT-3'
Protein context (NP_000651.3, residues 117-137): HNEIYDKFKQ[Ser127Thr]THSIYMFFNT